The following is an entry in ClinVar:

NM_015272.5(RPGRIP1L):c.3220+13T>C

Gene: RPGRIP1L (RPGRIP1 like; minus strand). Cytogenetic location: 16q12.2.
Variant type: single nucleotide variant.
Coding change: c.3220+13T>C on transcript NM_015272.5 (MANE Select); 13 bases into the intron after coding-DNA position 3220, T replaced by C.
Molecular consequence: intron variant.
Genome position (GRCh38, 1-based): chr16:53,637,682, A>G on the plus strand (T>C on the coding strand, the complement: RPGRIP1L is on the minus strand). VCF-style: chr16-53637682-A-G. GRCh37 (hg19) VCF-style: chr16-53671594-A-G.
Other names: c.3220+13T>C (NM_015272.4, NM_001308334.3); c.3118+13T>C (NM_001127897.4, NM_001330538.2).
Identifiers: ClinVar variation 389310 (VCV000389310.13), dbSNP rs376659273, ClinGen allele CA8057344.
Genomic context (GRCh38, chr16:53,637,682, plus strand): 5'-ATGATGCATACTCTAACAGATAAAACAAAGCACAGGGTTAACTAAACAATGTTAGTTTAA[A>G]TAAGAAAGTCACCTTCTGGTTCCAAGTCCTCTGTTATTTCTGTTTCATCTTCAGAAGATG-3'

ClinVar aggregate classification (germline): Conflicting classifications of pathogenicity. Review status: criteria provided, conflicting classifications (1 of 4 stars). 7 submissions from 5 submitters: Uncertain significance (3); Benign (1); Likely benign (2). 1 of the submissions does not count toward it. Last evaluated 2026-01-19.

Conditions:
Nephronophthisis 8. Identifiers: MedGen CN119610.
Meckel-Gruber syndrome. Also called: GRUBER SYNDROME; Dysencephalia splachnocystica; DYSENCEPHALIA SPLANCHNOCYSTICA. Identifiers: Orphanet 564, MedGen C0265215, MONDO:0018921.
Joubert syndrome. Also called: JOUBERT-BOLTSHAUSER SYNDROME; Familial aplasia of the vermis. Identifiers: Orphanet 475, MedGen C5979921, MONDO:0018772.
Joubert syndrome 7 (JBTS7). Identifiers: Orphanet 220497, MedGen C1969053, MONDO:0012694, OMIM 611560.
RPGRIP1L-related disorder. Also called: RPGRIP1L-related disorders; RPGRIP1L-related condition. Identifiers: MedGen CN239416.
Meckel syndrome, type 5 (MKS5). Identifiers: Orphanet 564, MedGen C1969052, MONDO:0012695, OMIM 611561.

Allele frequency attached by ClinVar (database versions not stated): gnomAD below 0.00001 and 0.00011; TOPMed 0.00002; gnomAD exomes 0.00017 and 0.00034; 1000 Genomes Project 30x 0.00031; ExAC 0.00036; 1000 Genomes Project 0.00040.
gnomAD v4.1: 262 of 1,604,614 alleles (0.016%); highest among the groups gnomAD compares: South Asian, 0.28%; 4 homozygotes.

Submissions (7):

Labcorp Genetics (formerly Invitae), Labcorp
Classification: Benign for Joubert syndrome; Meckel-Gruber syndrome. Last evaluated: 2026-01-19. Review status: criteria provided, single submitter. Criteria: Invitae Variant Classification Sherloc (09022015). Collection method: clinical testing. Allele origin: germline.

Blueprint Genetics
Classification: Likely benign. Last evaluated: 2024-09-18. Review status: criteria provided, single submitter. Criteria: ACMG Guidelines, 2015. Collection method: clinical testing. Allele origin: germline.

Illumina Laboratory Services, Illumina
Classification: Uncertain significance for Joubert syndrome 7. Last evaluated: 2018-01-12. Review status: criteria provided, single submitter. Criteria: ICSL Variant Classification Criteria 13 December 2019. Collection method: clinical testing. Allele origin: germline.

Illumina Laboratory Services, Illumina
Classification: Uncertain significance for Nephronophthisis 8. Last evaluated: 2018-01-12. Review status: criteria provided, single submitter. Criteria: ICSL Variant Classification Criteria 13 December 2019. Collection method: clinical testing. Allele origin: germline.

Illumina Laboratory Services, Illumina
Classification: Uncertain significance for Meckel syndrome, type 5. Last evaluated: 2018-01-12. Review status: criteria provided, single submitter. Criteria: ICSL Variant Classification Criteria 13 December 2019. Collection method: clinical testing. Allele origin: germline.

GeneDx
Classification: Likely benign. Last evaluated: 2016-09-23. Review status: criteria provided, single submitter. Criteria: GeneDx Variant Classification (06012015). Collection method: clinical testing. Allele origin: germline. Affected: yes.
Comment: This variant is considered likely benign or benign based on one or more of the following criteria: it is a conservative change, it occurs at a poorly conserved position in the protein, it is predicted to be benign by multiple in silico algorithms, and/or has population frequency not consistent with disease.

PreventionGenetics, part of Exact Sciences
Classification: Likely benign for RPGRIP1L-related condition. Last evaluated: 2023-06-11. Review status: no assertion criteria provided. Collection method: clinical testing. Allele origin: germline. Not counted in ClinVar's aggregate classification.
Comment: This variant is classified as likely benign based on ACMG/AMP sequence variant interpretation guidelines (Richards et al. 2015 PMID: 25741868, with internal and published modifications).